The following is an entry in ClinVar:

NM_182931.3(KMT2E):c.3665C>T (p.Thr1222Ile)

Gene: KMT2E (lysine methyltransferase 2E (inactive); plus strand). Cytogenetic location: 7q22.3.
Variant type: single nucleotide variant.
Coding change: c.3665C>T on transcript NM_182931.3 (MANE Select); coding-DNA position 3665, C replaced by T.
Protein change: p.Thr1222Ile; replaces threonine 1222 with isoleucine.
Molecular consequence: missense variant.
Genome position (GRCh38, 1-based): chr7:105,109,138, C>T. VCF-style: chr7-105109138-C-T. GRCh37 (hg19) VCF-style: chr7-104749585-C-T.
Other names: c.3665C>T, p.Thr1222Ile (NM_001410908.1, NM_018682.4); short protein forms T1222I.
Identifiers: ClinVar variation 2982220 (VCV002982220.3), dbSNP rs1584808261, ClinGen allele CA368790356.
Genomic context (GRCh38, chr7:105,109,138, plus strand): 5'-GTAATGACAATGGGGAGCAGGTGGACCACACTGCTAGCCTACCTTTACCAACACCAGCTA[C>T]AGTTTATAATGCCACTTCTGAAGAAACTAGCAATAACTGCCCTGTTAAGGATGCTACTGC-3'
Protein context (NP_891847.1, residues 1212-1232): TASLPLPTPA[Thr1222Ile]VYNATSEETS

ClinVar aggregate classification (germline): Uncertain significance (1 of 4 stars; one submission).

Allele frequency attached by ClinVar (database versions not stated): gnomAD exomes below 0.00001.
gnomAD v4.1: 1 of 1,614,164 alleles (0.000062%); highest among the groups gnomAD compares: South Asian, 0.0011%; no homozygotes.

Submission:

Labcorp Genetics (formerly Invitae), Labcorp
Classification: Uncertain significance. Last evaluated: 2023-11-08. Review status: criteria provided, single submitter. Criteria: Invitae Variant Classification Sherloc (09022015). Collection method: clinical testing. Allele origin: germline.
Comment: This sequence change replaces threonine, which is neutral and polar, with isoleucine, which is neutral and non-polar, at codon 1222 of the KMT2E protein (p.Thr1222Ile). This variant is not present in population databases (gnomAD no frequency). This variant has not been reported in the literature in individuals affected with KMT2E-related conditions. Advanced modeling of protein sequence and biophysical properties (such as structural, functional, and spatial information, amino acid conservation, physicochemical variation, residue mobility, and thermodynamic stability) performed at Invitae indicates that this missense variant is not expected to disrupt KMT2E protein function with a negative predictive value of 80%. In summary, the available evidence is currently insufficient to determine the role of this variant in disease. Therefore, it has been classified as a Variant of Uncertain Significance.